The following is an entry in ClinVar:

NM_001103.4(ACTN2):c.2252C>T (p.Thr751Ile)

Gene: ACTN2 (actinin alpha 2; plus strand). Cytogenetic location: 1q43.
Variant type: single nucleotide variant.
Coding change: c.2252C>T on transcript NM_001103.4 (MANE Select); coding-DNA position 2252, C replaced by T.
Protein change: p.Thr751Ile; replaces threonine 751 with isoleucine.
Molecular consequence: missense variant.
Genome position (GRCh38, 1-based): chr1:236,757,583, C>T. VCF-style: chr1-236757583-C-T. GRCh37 (hg19) VCF-style: chr1-236920883-C-T.
Other names: c.2252C>T, p.Thr751Ile (NM_001278343.2); c.1628C>T, p.Thr543Ile (NM_001278344.2); short protein forms T543I, T751I.
Identifiers: ClinVar variation 1318709 (VCV001318709.8), dbSNP rs140836849, ClinGen allele CA1473386.

ClinVar aggregate classification (germline): Conflicting classifications of pathogenicity. Review status: criteria provided, conflicting classifications (1 of 4 stars). 2 submissions from 2 submitters: Uncertain significance (1); Benign (1). Last evaluated 2025-05-13.

Conditions:
Primary familial hypertrophic cardiomyopathy (HCM). Identifiers: Orphanet 99739, MedGen C0949658, MeSH D024741, MONDO:0024573. Inheritance: Various modes of inheritance.
Dilated cardiomyopathy 1AA (CMD1AA). Also called: CARDIOMYOPATHY, DILATED, 1AA, WITH OR WITHOUT LEFT VENTRICULAR NONCOMPACTION; CARDIOMYOPATHY, FAMILIAL HYPERTROPHIC, 23, WITH OR WITHOUT LEFT VENTRICULAR NONCOMPACTION; Cardiomyopathy, dilated, 1AA, with or without LVNC. Identifiers: Orphanet 154, MedGen C2677338, MONDO:0012808, OMIM 612158.

Allele frequency attached by ClinVar (database versions not stated): gnomAD exomes below 0.00001; TOPMed below 0.00001; ExAC 0.00001; gnomAD 0.00001; ESP Exome Variant Server 0.00008.
gnomAD v4.1: 1 of 1,614,014 alleles (0.000062%); highest among the groups gnomAD compares: African/African-American, 0.0013%; no homozygotes.

Submissions (2):

Labcorp Genetics (formerly Invitae), Labcorp
Classification: Benign for Primary familial hypertrophic cardiomyopathy; Dilated cardiomyopathy 1AA. Last evaluated: 2025-05-13. Review status: criteria provided, single submitter. Criteria: Invitae Variant Classification Sherloc (09022015). Collection method: clinical testing. Allele origin: germline.

GeneDx
Classification: Uncertain significance. Last evaluated: 2019-04-15. Review status: criteria provided, single submitter. Criteria: GeneDx Variant Classification Process June 2021. Collection method: clinical testing. Allele origin: germline. Affected: yes.
Comment: Has not been previously published as pathogenic or benign to our knowledge; Not observed in large population cohorts (Lek et al., 2016); In silico analysis, which includes protein predictors and evolutionary conservation, supports a deleterious effect